The following is an entry in ClinVar:

NM_001145715.3(KPNA7):c.508G>A (p.Val170Met)

Gene: KPNA7 (karyopherin subunit alpha 7; minus strand). Cytogenetic location: 7q22.1.
Variant type: single nucleotide variant.
Coding change: c.508G>A on transcript NM_001145715.3 (MANE Select); coding-DNA position 508, G replaced by A.
Protein change: p.Val170Met; replaces valine 170 with methionine.
Molecular consequence: missense variant.
Genome position (GRCh38, 1-based): chr7:99,195,115, C>T on the plus strand (G>A on the coding strand, the complement: KPNA7 is on the minus strand). VCF-style: chr7-99195115-C-T. GRCh37 (hg19) VCF-style: chr7-98792738-C-T.
Other names: c.508G>A (NM_001145715.1); short protein forms V170M.
Identifiers: ClinVar variation 1464777 (VCV001464777.6), dbSNP rs371140473, ClinGen allele CA4363243.

ClinVar aggregate classification (germline): Conflicting classifications of pathogenicity. Review status: criteria provided, conflicting classifications (1 of 4 stars). 2 submissions from 2 submitters: Uncertain significance (1); Likely benign (1). Last evaluated 2025-05-14.

Allele frequency attached by ClinVar (database versions not stated): gnomAD 0.00004; TOPMed 0.00006; gnomAD exomes 0.00004 and 0.00008; ExAC 0.00005; 1000 Genomes Project 30x 0.00016; ESP Exome Variant Server 0.00044.
gnomAD v4.1: 116 of 1,551,630 alleles (0.0075%); highest among the groups gnomAD compares: Middle Eastern, 0.017%; no homozygotes.

Submissions (2):

Ambry Genetics
Classification: Likely benign. Last evaluated: 2025-05-14. Review status: criteria provided, single submitter. Criteria: Ambry Variant Classification Scheme 2023. Collection method: clinical testing. Allele origin: germline.

Labcorp Genetics (formerly Invitae), Labcorp
Classification: Uncertain significance. Last evaluated: 2022-01-26. Review status: criteria provided, single submitter. Criteria: Invitae Variant Classification Sherloc (09022015). Collection method: clinical testing. Allele origin: germline.
Comment: This sequence change replaces valine, which is neutral and non-polar, with methionine, which is neutral and non-polar, at codon 170 of the KPNA7 protein (p.Val170Met). This variant is present in population databases (rs371140473, gnomAD 0.008%). This variant has not been reported in the literature in individuals affected with KPNA7-related conditions. Algorithms developed to predict the effect of missense changes on protein structure and function output the following: SIFT: "Tolerated"; PolyPhen-2: "Benign"; Align-GVGD: "Class C0". The methionine amino acid residue is found in multiple mammalian species, which suggests that this missense change does not adversely affect protein function. In summary, the available evidence is currently insufficient to determine the role of this variant in disease. Therefore, it has been classified as a Variant of Uncertain Significance.